The following is an entry in ClinVar:

ClinVar aggregate classification (germline): Uncertain significance. Review status: criteria provided, multiple submitters, no conflicts (2 of 4 stars). 5 submissions from 5 submitters: Uncertain significance (4). 1 of the submissions does not count toward it. Last evaluated 2024-10-22.

Conditions:
Hereditary cancer-predisposing syndrome. Also called: Hereditary neoplastic syndrome; Neoplastic Syndromes, Hereditary; Tumor predisposition; Hereditary Cancer Syndrome. Identifiers: Orphanet 140162, MedGen C0027672, MeSH D009386, MONDO:0015356.
Microcephaly, normal intelligence and immunodeficiency (NBS). Also called: IMMUNODEFICIENCY, MICROCEPHALY, AND CHROMOSOMAL INSTABILITY; SEEMANOVA SYNDROME II; Nijmegen breakage syndrome; Microcephaly with normal intelligence immunodeficiency and lymphoreticular malignancies; Nonsyndromal microcephaly autosomal recessive with normal intelligence; Seemanova syndrome 2. Identifiers: Orphanet 647, MedGen C0398791, MONDO:0009623, OMIM 251260.

gnomAD v4.1: 33 of 1,613,582 alleles (0.002%); highest among the groups gnomAD compares: Non-Finnish European, 0.0026%; no homozygotes.

Submissions (5):

Labcorp Genetics (formerly Invitae), Labcorp
Classification: Uncertain significance for Microcephaly, normal intelligence and immunodeficiency. Last evaluated: 2024-10-22. Review status: criteria provided, single submitter. Criteria: Invitae Variant Classification Sherloc (09022015). Collection method: clinical testing. Allele origin: germline.
Comment: This sequence change replaces asparagine, which is neutral and polar, with lysine, which is basic and polar, at codon 503 of the NBN protein (p.Asn503Lys). This variant is not present in population databases (gnomAD no frequency). This variant has not been reported in the literature in individuals affected with NBN-related conditions. ClinVar contains an entry for this variant (Variation ID: 480021). An algorithm developed to predict the effect of missense changes on protein structure and function (PolyPhen-2) suggests that this variant is likely to be tolerated. In summary, the available evidence is currently insufficient to determine the role of this variant in disease. Therefore, it has been classified as a Variant of Uncertain Significance.

Ambry Genetics
Classification: Uncertain significance for Hereditary cancer-predisposing syndrome. Last evaluated: 2024-09-24. Review status: criteria provided, single submitter. Criteria: Ambry Variant Classification Scheme 2023. Collection method: clinical testing. Allele origin: germline.

GeneDx
Classification: Uncertain significance. Last evaluated: 2022-04-19. Review status: criteria provided, single submitter. Criteria: GeneDx Variant Classification Process June 2021. Collection method: clinical testing. Allele origin: germline. Affected: yes.
Comment: Not observed at significant frequency in large population cohorts (gnomAD); In silico analysis supports that this missense variant does not alter protein structure/function; Has not been previously published as pathogenic or benign to our knowledge; This variant is associated with the following publications: (PMID: 26787654)

Genome-Nilou Lab
Classification: Uncertain significance for Microcephaly, normal intelligence and immunodeficiency. Last evaluated: 2021-11-07. Review status: criteria provided, single submitter. Criteria: ACMG Guidelines, 2015. Collection method: clinical testing. Allele origin: germline. Affected: no.

Natera, Inc.
Classification: Uncertain significance for Nijmegen breakage syndrome. Last evaluated: 2020-01-21. Review status: no assertion criteria provided. Collection method: clinical testing. Allele origin: germline. Not counted in ClinVar's aggregate classification.

NM_002485.5(NBN):c.1509T>G (p.Asn503Lys)

Gene: NBN (nibrin; minus strand). Cytogenetic location: 8q21.3.
Variant type: single nucleotide variant.
Coding change: c.1509T>G on transcript NM_002485.5 (MANE Select); coding-DNA position 1509, T replaced by G.
Protein change: p.Asn503Lys; replaces asparagine 503 with lysine.
Molecular consequence: missense variant.
Genome position (GRCh38, 1-based): chr8:89,953,580, A>C on the plus strand (T>G on the coding strand, the complement: NBN is on the minus strand). VCF-style: chr8-89953580-A-C. GRCh37 (hg19) VCF-style: chr8-90965808-A-C.
Other names: c.1263T>G, p.Asn421Lys (NM_001024688.3); short protein forms N503K, N421K.
Identifiers: ClinVar variation 480021 (VCV000480021.25), dbSNP rs876660751, ClinGen allele CA371655706.